The following is an entry in ClinVar:

NM_001370259.2(MEN1):c.-14_-1dup (p.Met1fs)

Gene: MEN1 (menin 1; minus strand). Cytogenetic location: 11q13.1.
Variant type: Duplication.
Coding change: c.-14_-1dup on transcript NM_001370259.2 (MANE Select); 14 bases upstream of the start codon through 1 bases upstream of the start codon, 14 bases duplicated (CACCGCCCGCCGCC).
Protein change: p.Met1fs; shifts the reading frame from methionine 1.
Molecular consequence: frameshift variant. On other transcripts: non-coding transcript variant (4).
Genome position (GRCh38, 1-based): chr11:64,810,110-64,810,123, GGCGGCGGGCGGTG duplicated on the plus strand (CACCGCCCGCCGCC on the coding strand, the reverse complement: MEN1 is on the minus strand); duplicating any 14 consecutive bases within chr11:64,810,110-64,810,131 gives the same sequence; the c. name uses the placement nearest the transcript's 3' end. VCF-style (leftmost placement, unchanged base first): chr11-64810109-T-TGGCGGCGGGCGGTG. GRCh37 (hg19) VCF-style: chr11-64577581-T-TGGCGGCGGGCGGTG.
Other names: c.-14_-1dup, p.Met1fs (NM_000244.4, NM_001370251.2, NM_001370260.2 and 20 more transcripts); short protein forms M1fs.
Identifiers: ClinVar variation 3368208 (VCV003368208.1).

ClinVar aggregate classification (germline): Uncertain significance (1 of 4 stars; one submission).

Submission:

GeneDx
Classification: Uncertain significance. Last evaluated: 2024-01-25. Review status: criteria provided, single submitter. Criteria: GeneDx Variant Classification Process June 2021. Collection method: clinical testing. Allele origin: germline. Affected: yes.
Comment: Not observed at significant frequency in large population cohorts (gnomAD); Has not been previously published as pathogenic or benign to our knowledge